The following is an entry in ClinVar:

NM_003098.3(SNTA1):c.*122G>A

Gene: SNTA1 (syntrophin alpha 1; minus strand). Cytogenetic location: 20q11.21.
Variant type: single nucleotide variant.
Coding change: c.*122G>A on transcript NM_003098.3 (MANE Select); 122 bases downstream of the stop codon, G replaced by A.
Molecular consequence: 3 prime UTR variant.
Genome position (GRCh38, 1-based): chr20:33,408,385, C>T on the plus strand (G>A on the coding strand, the complement: SNTA1 is on the minus strand). VCF-style: chr20-33408385-C-T. GRCh37 (hg19) VCF-style: chr20-31996191-C-T.
Identifiers: ClinVar variation 338208 (VCV000338208.8), dbSNP rs116151218, ClinGen allele CA10653075.

ClinVar aggregate classification (germline): Benign. Review status: criteria provided, multiple submitters, no conflicts (2 of 4 stars). 2 submissions from 2 submitters: Benign (2). Last evaluated 2018-01-12.

Conditions:
Long QT syndrome 12 (LQT12). Identifiers: Orphanet 101016, Orphanet 768, MedGen C2751830, MONDO:0013062, OMIM 612955.

Allele frequency attached by ClinVar (database versions not stated): TOPMed 0.00737; 1000 Genomes Project 0.00819; 1000 Genomes Project 30x 0.00828.
gnomAD v4.1: 1,534 of 757,342 alleles (0.2%); highest among the groups gnomAD compares: African/African-American, 2.3%; 17 homozygotes.

Submissions (2):

Illumina Laboratory Services, Illumina
Classification: Benign for Long QT syndrome 12. Last evaluated: 2018-01-12. Review status: criteria provided, single submitter. Criteria: ICSL Variant Classification Criteria 13 December 2019. Collection method: clinical testing. Allele origin: germline.
Comment: This variant was observed in the ICSL laboratory as part of a predisposition screen in an ostensibly healthy population. It had not been previously curated by ICSL or reported in the Human Gene Mutation Database (HGMD: prior to June 1st, 2018), and was therefore a candidate for classification through an automated scoring system. Utilizing variant allele frequency, disease prevalence and penetrance estimates, and inheritance mode, an automated score was calculated to assess if this variant is too frequent to cause the disease. Based on the score and internal cut-off values, a variant classified as benign is not then subjected to further curation. The score for this variant resulted in a classification of benign for this disease.

GeneDx
Classification: Benign. Last evaluated: 2015-03-03. Review status: criteria provided, single submitter. Criteria: GeneDx Variant Classification Process June 2021. Collection method: clinical testing. Allele origin: germline. Affected: yes.